The following is an entry in ClinVar:

ClinVar aggregate classification (germline): Likely benign. Review status: criteria provided, multiple submitters, no conflicts (2 of 4 stars). 4 submissions from 4 submitters: Likely benign (3). 1 of the submissions does not count toward it. Last evaluated 2025-10-03.

Conditions:
BBS10-related disorder. Also called: BBS10-related condition.
Bardet-Biedl syndrome (BBS). Identifiers: Orphanet 110, MedGen C0752166, MONDO:0015229.
Bardet-Biedl syndrome 10 (BBS10). Identifiers: Orphanet 110, MedGen C1859568, MONDO:0014438, OMIM 615987.

Allele frequency attached by ClinVar (database versions not stated): TOPMed 0.00009.

Submissions (4):

Labcorp Genetics (formerly Invitae), Labcorp
Classification: Likely benign for Bardet-Biedl syndrome. Last evaluated: 2025-10-03. Review status: criteria provided, single submitter. Criteria: Invitae Variant Classification Sherloc (09022015). Collection method: clinical testing. Allele origin: germline.

Fulgent Genetics
Classification: Likely benign for Bardet-Biedl syndrome 10. Last evaluated: 2021-12-27. Review status: criteria provided, single submitter. Criteria: ACMG Guidelines, 2015. Collection method: clinical testing. Allele origin: unknown.

Genetic Services Laboratory, University of Chicago
Classification: Likely benign. Last evaluated: 2015-11-19. Review status: criteria provided, single submitter. Criteria: ACMG Guidelines, 2015. Collection method: clinical testing. Allele origin: germline. Affected: no.

PreventionGenetics, part of Exact Sciences
Classification: Likely benign for BBS10-related condition. Last evaluated: 2022-04-15. Review status: no assertion criteria provided. Collection method: clinical testing. Allele origin: germline. Not counted in ClinVar's aggregate classification.
Comment: This variant is classified as likely benign based on ACMG/AMP sequence variant interpretation guidelines (Richards et al. 2015 PMID: 25741868, with internal and published modifications).

NM_024685.4(BBS10):c.1074G>T (p.Ser358=)

Gene: BBS10 (Bardet-Biedl syndrome 10; minus strand). Cytogenetic location: 12q21.2.
Variant type: single nucleotide variant.
Coding change: c.1074G>T on transcript NM_024685.4 (MANE Select); coding-DNA position 1074, G replaced by T.
Protein change: p.Ser358=; no amino-acid change (serine 358 retained).
Molecular consequence: synonymous variant.
Genome position (GRCh38, 1-based): chr12:76,346,911, C>A on the plus strand (G>T on the coding strand, the complement: BBS10 is on the minus strand). VCF-style: chr12-76346911-C-A. GRCh37 (hg19) VCF-style: chr12-76740691-C-A.
Other names: c.1074G>T, p.Ser358= (LRG_1255t1).
Identifiers: ClinVar variation 434485 (VCV000434485.16), dbSNP rs551803123, ClinGen allele CA6694231.